The following is an entry in ClinVar:

ClinVar aggregate classification (germline): Uncertain significance. Review status: criteria provided, multiple submitters, no conflicts (2 of 4 stars). 2 submissions from 2 submitters: Uncertain significance (2). Last evaluated 2024-09-29.

Conditions:
Cardiovascular phenotype. Identifiers: MedGen CN230736.
Primary dilated cardiomyopathy (DCM). Also called: Dilated Cardiomyopathy. Identifiers: Orphanet 217604, MedGen C0007193, MeSH D002311, MONDO:0005021, HP:0001644. Inheritance: Various modes of inheritance.

Submissions (2):

Labcorp Genetics (formerly Invitae), Labcorp
Classification: Uncertain significance for Primary dilated cardiomyopathy. Last evaluated: 2024-09-29. Review status: criteria provided, single submitter. Criteria: Invitae Variant Classification Sherloc (09022015). Collection method: clinical testing. Allele origin: germline.
Comment: This sequence change replaces aspartic acid, which is acidic and polar, with asparagine, which is neutral and polar, at codon 257 of the TXNRD2 protein (p.Asp257Asn). The frequency data for this variant in the population databases is considered unreliable, as metrics indicate poor data quality at this position in the gnomAD database. This variant has not been reported in the literature in individuals affected with TXNRD2-related conditions. ClinVar contains an entry for this variant (Variation ID: 2626148). Invitae Evidence Modeling of protein sequence and biophysical properties (such as structural, functional, and spatial information, amino acid conservation, physicochemical variation, residue mobility, and thermodynamic stability) indicates that this missense variant is expected to disrupt TXNRD2 protein function with a positive predictive value of 80%. In summary, the available evidence is currently insufficient to determine the role of this variant in disease. Therefore, it has been classified as a Variant of Uncertain Significance.

Ambry Genetics
Classification: Uncertain significance for Cardiovascular phenotype. Last evaluated: 2023-07-15. Review status: criteria provided, single submitter. Criteria: Ambry Variant Classification Scheme 2023. Collection method: clinical testing. Allele origin: germline.
Comment: The p.D257N variant (also known as c.769G>A), located in coding exon 10 of the TXNRD2 gene, results from a G to A substitution at nucleotide position 769. The aspartic acid at codon 257 is replaced by asparagine, an amino acid with highly similar properties. This amino acid position is conserved. In addition, the in silico prediction for this alteration is inconclusive. Since supporting evidence is limited at this time, the clinical significance of this alteration remains unclear.

NM_006440.5(TXNRD2):c.769G>A (p.Asp257Asn)

Gene: TXNRD2 (thioredoxin reductase 2; minus strand). Cytogenetic location: 22q11.21.
Variant type: single nucleotide variant.
Coding change: c.769G>A on transcript NM_006440.5 (MANE Select); coding-DNA position 769, G replaced by A.
Protein change: p.Asp257Asn; replaces aspartic acid 257 with asparagine.
Molecular consequence: missense variant. On other transcripts: non-coding transcript variant (1).
Genome position (GRCh38, 1-based): chr22:19,898,044, C>T on the plus strand (G>A on the coding strand, the complement: TXNRD2 is on the minus strand). VCF-style: chr22-19898044-C-T. GRCh37 (hg19) VCF-style: chr22-19885567-C-T.
Other names: c.769G>A, p.Asp257Asn (NM_001282512.3); c.766G>A, p.Asp256Asn (NM_001352300.2); c.679G>A, p.Asp227Asn (NM_001352301.2); c.481G>A, p.Asp161Asn (NM_001352302.2); c.673G>A, p.Asp225Asn (NM_001352303.2); short protein forms D256N, D257N, D225N, D227N, D161N.
Identifiers: ClinVar variation 2626148 (VCV002626148.5), dbSNP rs1479345231, ClinGen allele CA410687274.